The following is an entry in ClinVar:

NM_000298.6(PKLR):c.727G>C (p.Gly243Arg)

Gene: PKLR (pyruvate kinase L/R; minus strand). Cytogenetic location: 1q22.
Variant type: single nucleotide variant.
Coding change: c.727G>C on transcript NM_000298.6 (MANE Select); coding-DNA position 727, G replaced by C.
Protein change: p.Gly243Arg; replaces glycine 243 with arginine.
Molecular consequence: missense variant.
Genome position (GRCh38, 1-based): chr1:155,294,720, C>G on the plus strand (G>C on the coding strand, the complement: PKLR is on the minus strand). VCF-style: chr1-155294720-C-G. GRCh37 (hg19) VCF-style: chr1-155264511-C-G.
Other names: c.634G>C, p.Gly212Arg (NM_181871.4); short protein forms G212R, G243R.
Identifiers: ClinVar variation 3067560 (VCV003067560.21), dbSNP rs745797890, ClinGen allele CA342754688.

ClinVar aggregate classification (germline): Uncertain significance (1 of 4 stars; one submission).

Submission:

CeGaT Center for Human Genetics Tuebingen
Classification: Uncertain significance. Last evaluated: 2024-03-01. Review status: criteria provided, single submitter. Criteria: CeGaT Center For Human Genetics Tuebingen Variant Classification Criteria Version 2. Collection method: clinical testing. Allele origin: germline. Affected: yes. Observed: 1 variant allele.
Comment: PKLR: PM2